The following is an entry in ClinVar:

ClinVar aggregate classification (germline): Conflicting classifications of pathogenicity. Review status: criteria provided, conflicting classifications (1 of 4 stars). 4 submissions from 4 submitters: Uncertain significance (2); Likely benign (2). Last evaluated 2025-06-12.

Conditions:
Cardiovascular phenotype. Identifiers: MedGen CN230736.
Capillary malformation-arteriovenous malformation 1 (CMAVM1). Identifiers: Orphanet 137667, Orphanet 693907, MedGen C4747394, MONDO:0020783, OMIM 608354.
Capillary malformation-arteriovenous malformation syndrome. Also called: Capillary malformation-arteriovenous malformation. Identifiers: Orphanet 137667, MedGen C1842180, MONDO:0012016.

Allele frequency attached by ClinVar (database versions not stated): TOPMed 0.00001; ExAC 0.00002.
gnomAD v4.1: 34 of 1,614,086 alleles (0.0021%); highest among the groups gnomAD compares: East Asian, 0.016%; no homozygotes.

Submissions (4):

Labcorp Genetics (formerly Invitae), Labcorp
Classification: Uncertain significance for Capillary malformation-arteriovenous malformation syndrome. Last evaluated: 2025-06-12. Review status: criteria provided, single submitter. Criteria: Invitae Variant Classification Sherloc (09022015). Collection method: clinical testing. Allele origin: germline.
Comment: This sequence change replaces proline, which is neutral and non-polar, with leucine, which is neutral and non-polar, at codon 136 of the RASA1 protein (p.Pro136Leu). This variant is present in population databases (rs769463654, gnomAD 0.003%). This variant has not been reported in the literature in individuals affected with RASA1-related conditions. ClinVar contains an entry for this variant (Variation ID: 354510). An algorithm developed to predict the effect of missense changes on protein structure and function outputs the following: PolyPhen-2: "Possibly Damaging". The leucine amino acid residue is found in multiple mammalian species, which suggests that this missense change does not adversely affect protein function. In summary, the available evidence is currently insufficient to determine the role of this variant in disease. Therefore, it has been classified as a Variant of Uncertain Significance.

Ambry Genetics
Classification: Uncertain significance for Cardiovascular phenotype. Last evaluated: 2024-11-10. Review status: criteria provided, single submitter. Criteria: Ambry Variant Classification Scheme 2023. Collection method: clinical testing. Allele origin: germline.
Comment: The p.P136L variant (also known as c.407C>T), located in coding exon 1 of the RASA1 gene, results from a C to T substitution at nucleotide position 407. The proline at codon 136 is replaced by leucine, an amino acid with similar properties. This amino acid position is well conserved in available vertebrate species. In addition, this alteration is predicted to be tolerated by in silico analysis. Since supporting evidence is limited at this time, the clinical significance of this alteration remains unclear.

Blueprint Genetics
Classification: Likely benign. Last evaluated: 2024-07-16. Review status: criteria provided, single submitter. Criteria: ACMG Guidelines, 2015. Collection method: clinical testing. Allele origin: germline.

Illumina Laboratory Services, Illumina
Classification: Likely benign for Capillary malformation-arteriovenous malformation 1. Last evaluated: 2018-01-12. Review status: criteria provided, single submitter. Criteria: ICSL Variant Classification Criteria 13 December 2019. Collection method: clinical testing. Allele origin: germline.
Comment: This variant was observed in the ICSL laboratory as part of a predisposition screen in an ostensibly healthy population. It had not been previously curated by ICSL or reported in the Human Gene Mutation Database (HGMD: prior to June 1st, 2018), and was therefore a candidate for classification through an automated scoring system. Utilizing variant allele frequency, disease prevalence and penetrance estimates, and inheritance mode, an automated score was calculated to assess if this variant is too frequent to cause the disease. Based on the score and internal cut-off values, a variant classified as likely benign is not then subjected to further curation. The score for this variant resulted in a classification of likely benign for this disease.

NM_002890.3(RASA1):c.407C>T (p.Pro136Leu)

Gene: RASA1 (RAS p21 protein activator 1; plus strand). Cytogenetic location: 5q14.3.
Variant type: single nucleotide variant.
Coding change: c.407C>T on transcript NM_002890.3 (MANE Select); coding-DNA position 407, C replaced by T.
Protein change: p.Pro136Leu; replaces proline 136 with leucine.
Molecular consequence: missense variant.
Genome position (GRCh38, 1-based): chr5:87,268,858, C>T. VCF-style: chr5-87268858-C-T. GRCh37 (hg19) VCF-style: chr5-86564675-C-T.
Other names: short protein forms P136L.
Identifiers: ClinVar variation 354510 (VCV000354510.16), dbSNP rs769463654, ClinGen allele CA3335423.